The following is an entry in ClinVar:

NM_001367873.1(SOX6):c.422A>C (p.Glu141Ala)

Gene: SOX6 (SRY-box transcription factor 6; minus strand). Cytogenetic location: 11p15.2.
Variant type: single nucleotide variant.
Coding change: c.422A>C on transcript NM_001367873.1 (MANE Select); coding-DNA position 422, A replaced by C.
Protein change: p.Glu141Ala; replaces glutamic acid 141 with alanine.
Molecular consequence: missense variant.
Genome position (GRCh38, 1-based): chr11:16,318,469, T>G on the plus strand (A>C on the coding strand, the complement: SOX6 is on the minus strand). VCF-style: chr11-16318469-T-G. GRCh37 (hg19) VCF-style: chr11-16340015-T-G.
Other names: c.422A>C, p.Glu141Ala (NM_001145811.2, NM_001145819.2, NM_001367872.1 and 2 more transcripts); short protein forms E141A.
Identifiers: ClinVar variation 2229229 (VCV002229229.2), dbSNP rs547283568, ClinGen allele CA5898453.
Genomic context (GRCh38, chr11:16,318,469, plus strand): 5'-AAAAAAAACAGAGCCCAACAGTGAAGTCCACACATACCCTCTTGTTCAGTCCGAGTCATT[T>G]CCTCAAGCTTCTTCTGTTTCAGTGTGTCCACCACATCGGCAAGACTCCCTTTGCGGCGCT-3'
Protein context (NP_001354802.1, residues 131-151): VDTLKQKKLE[Glu141Ala]MTRTEQEDSS

ClinVar aggregate classification (germline): Uncertain significance (1 of 4 stars; one submission).

Conditions:
Inborn genetic diseases. Identifiers: MedGen C0950123, MeSH D030342.

Allele frequency attached by ClinVar (database versions not stated): gnomAD exomes below 0.00001; ExAC 0.00001; TOPMed 0.00001; gnomAD 0.00003; 1000 Genomes Project 30x 0.00016; 1000 Genomes Project 0.00020.
gnomAD v4.1: 10 of 1,613,472 alleles (0.00062%); highest among the groups gnomAD compares: East Asian, 0.022%; no homozygotes.

Submission:

Ambry Genetics
Classification: Uncertain significance for Inborn genetic diseases. Last evaluated: 2021-03-02. Review status: criteria provided, single submitter. Criteria: Ambry Variant Classification Scheme 2023. Collection method: clinical testing. Allele origin: germline.
Comment: The c.422A>C (p.E141A) alteration is located in exon 3 (coding exon 2) of the SOX6 gene. This alteration results from a A to C substitution at nucleotide position 422, causing the glutamic acid (E) at amino acid position 141 to be replaced by an alanine (A). The in silico prediction for the p.E141A alteration is inconclusive. Based on insufficient or conflicting evidence, the clinical significance of this alteration remains unclear.